The following is an entry in ClinVar:

ClinVar aggregate classification (germline): Pathogenic. Review status: criteria provided, multiple submitters, no conflicts (2 of 4 stars). 4 submissions from 4 submitters: Pathogenic (3). 1 of the submissions does not count toward it. Last evaluated 2023-07-17.

Conditions:
FLT4-related disorders.
Hereditary lymphedema type I (LMPHM1). Also called: Nonne-Milroy disease; Congenital hereditary lymphedema; Early onset lymphedema; Hereditary lymphedema 1; Primary congenital lymphedema; Meige's disease. Identifiers: Orphanet 79452, MedGen C1704423, MONDO:0007919, OMIM 153100.

Submissions (4):

Victorian Clinical Genetics Services, Murdoch Childrens Research Institute
Classification: Pathogenic for Hereditary lymphedema type I. Last evaluated: 2023-07-17. Review status: criteria provided, single submitter. Criteria: ACMG Guidelines, 2015. Collection method: clinical testing. Allele origin: germline. Inheritance: Autosomal dominant inheritance. Affected: yes.
Comment: Based on the classification scheme VCGS_Germline_v1.3.4, this variant is classified as Pathogenic. Following criteria are met: 0102 - Loss of function is a known mechanism of disease in this gene and is associated with congenital heart defects 7, multiple types (MIM#618780) and lymphatic malformation 1 (MIM#153100). (I) 0107 - This gene is associated with autosomal dominant disease. (I) 0112 - The condition associated with this gene has incomplete penetrance (PMID: 23074044, 30232381). (I) 0115 - Variants in this gene are known to have variable expressivity. Variable expressivity has been reported for the lymphatic malformation phenotype (PMID: 23074044). There is also a patient reported with a recurrent frameshift variant who has both tetralogy of Fallot and lymphoedema (PMID: 30232381). (I) 0200 - Variant is predicted to result in a missense amino acid change from glycine to arginine. (I) 0251 - This variant is heterozygous. (I) 0301 - Variant is absent from gnomAD (both v2 and v3). (SP) 0501 - Missense variant consistently predicted to be damaging by multiple in silico tools or highly conserved with a major amino acid change. (SP) 0601 - Variant is located in the well-established functional protein tryosine kinase domain, and affects the kinase motif that is a critical part of the ATP-binding site (DECIPHER, PMID: 10835628). (SP) 0705 - No comparable missense variants have previous evidence for pathogenicity. (I) 0802 - This variant has moderate previous evidence of pathogenicity in unrelated individuals. This variant has been identified in four families with lymphoedema (PMIDs: 10835628, 15904433, 19002718, 24167460). (SP) 0902 - This variant has moderate evidence for segregation with disease. This variant has been shown to segregate with disease across several generations of two different families (PMIDs: 10835628, 15904433). In one of these families the variant was also identified in two unaffected individuals; however, incomplete penetrance is established for this gene. (SP) 1002 - This variant has moderate functional evidence supporting abnormal protein function. This variant has been shown to decrease tyrosine-kinase activity causing poor activation of downstream signalling cascades (PMID: 10835628). (SP) 1208 - Inheritance information for this variant is not currently available in this individual. (I) Legend: (SP) - Supporting pathogenic, (I) - Information, (SB) - Supporting benign

GeneDx
Classification: Pathogenic. Last evaluated: 2023-04-27. Review status: criteria provided, single submitter. Criteria: GeneDx Variant Classification Process June 2021. Collection method: clinical testing. Allele origin: germline. Affected: yes.
Comment: Published functional studies demonstrate a damaging effect on endothelial cell differentiation and tyrosine phosphorylation (Suzuki et al., 2005); In silico analysis supports that this missense variant has a deleterious effect on protein structure/function; Not observed at significant frequency in large population cohorts (gnomAD); This variant is associated with the following publications: (PMID: 15904433, 11553610, 10835628, 11114740, 21490960, 27177310, 23074044, 19296866, 15102829, 11427983, 15389531, 15561887)

Blueprint Genetics
Classification: Pathogenic for FLT4-related disorders. Last evaluated: 2022-09-20. Review status: criteria provided, single submitter. Criteria: ACMG Guidelines, 2015. Collection method: clinical testing. Allele origin: germline. Affected: yes. Observed: 1 variant allele.

OMIM
Classification: Pathogenic for LYMPHATIC MALFORMATION 1. Last evaluated: 2000-06-01. Review status: no assertion criteria provided. Collection method: literature only. Allele origin: germline. Not counted in ClinVar's aggregate classification.

Literature cited by the submitters: PubMed 10835628 (cited by Victorian Clinical Genetics Services, Murdoch Childrens Research Institute and OMIM); PubMed 15904433 (cited by Victorian Clinical Genetics Services, Murdoch Childrens Research Institute); PubMed 19002718 (cited by Victorian Clinical Genetics Services, Murdoch Childrens Research Institute); PubMed 23074044 (cited by Victorian Clinical Genetics Services, Murdoch Childrens Research Institute); PubMed 24167460 (cited by Victorian Clinical Genetics Services, Murdoch Childrens Research Institute); PubMed 30232381 (cited by Victorian Clinical Genetics Services, Murdoch Childrens Research Institute).

NM_182925.5(FLT4):c.2569G>A (p.Gly857Arg)

Gene: FLT4 (fms related receptor tyrosine kinase 4; minus strand). Cytogenetic location: 5q35.3.
Variant type: single nucleotide variant.
Coding change: c.2569G>A on transcript NM_182925.5 (MANE Select); coding-DNA position 2569, G replaced by A.
Protein change: p.Gly857Arg; replaces glycine 857 with arginine.
Molecular consequence: missense variant.
Genome position (GRCh38, 1-based): chr5:180,619,743, C>T on the plus strand (G>A on the coding strand, the complement: FLT4 is on the minus strand). VCF-style: chr5-180619743-C-T. GRCh37 (hg19) VCF-style: chr5-180046743-C-T.
Other names: c.2569G>A, p.Gly857Arg (NM_001354989.2, NM_002020.5); c.2569G>A (NM_182925.4); short protein forms G857R.
Identifiers: ClinVar variation 16259 (VCV000016259.4), dbSNP rs267606818, ClinGen allele CA257464.